The following is an entry in ClinVar:

NC_000012.11:g.(?_52881504)_(52885540_?)dup

Gene: KRT6A (keratin 6A; minus strand). Cytogenetic location: 12q13.13.
Variant type: Duplication.
Identifiers: ClinVar variation 3244389 (VCV003244389.1).

ClinVar aggregate classification (germline): Uncertain significance (1 of 4 stars; one submission).

Submission:

Labcorp Genetics (formerly Invitae), Labcorp
Classification: Uncertain significance. Last evaluated: 2023-11-19. Review status: criteria provided, single submitter. Criteria: Invitae Variant Classification Sherloc (09022015). Collection method: clinical testing. Allele origin: unknown.
Comment: This variant results in a copy number gain of the genomic region encompassing exon(s) 2-9 of the KRT6A gene. This region includes the termination codon of the gene. This copy number gain extends beyond the assayed region for this gene and therefore may encompass additional genes. As the precise location of this event is unknown, it may be in tandem or it may be located elsewhere in the genome. This variant has not been reported in the literature in individuals affected with KRT6A-related conditions. In summary, the available evidence is currently insufficient to determine the role of this variant in disease. Therefore, it has been classified as a Variant of Uncertain Significance.